The following is an entry in ClinVar:

NM_006303.4(AIMP2):c.644G>A (p.Arg215His)

Genes: AIMP2 (aminoacyl tRNA synthetase complex interacting multifunctional protein 2; plus strand), EIF2AK1 (eukaryotic translation initiation factor 2 alpha kinase 1; minus strand). Cytogenetic location: 7p22.1.
Variant type: single nucleotide variant.
Coding change: c.644G>A on transcript NM_006303.4 (MANE Select); coding-DNA position 644, G replaced by A.
Protein change: p.Arg215His; replaces arginine 215 with histidine.
Molecular consequence: missense variant. On other transcripts: 3 prime UTR variant (2).
Genome position (GRCh38, 1-based): chr7:6,023,372, G>A. VCF-style: chr7-6023372-G-A. GRCh37 (hg19) VCF-style: chr7-6063003-G-A.
Other names: c.*1301C>T (NM_001134335.2, NM_014413.4); c.524G>A, p.Arg175His (NM_001326606.2); c.437G>A, p.Arg146His (NM_001326607.2); c.410G>A, p.Arg137His (NM_001326609.2, NM_001326610.2, NM_001326611.3); c.557G>A, p.Arg186His (NM_001362785.2); c.512G>A, p.Arg171His (NM_001362787.2); short protein forms R146H, R171H, R186H, R175H, R137H, R215H.
Identifiers: ClinVar variation 1906796 (VCV001906796.6), dbSNP rs150887968, ClinGen allele CA4150440.

ClinVar aggregate classification (germline): Uncertain significance. Review status: criteria provided, multiple submitters, no conflicts (2 of 4 stars). 2 submissions from 2 submitters: Uncertain significance (2). Last evaluated 2021-12-29.

Conditions:
Inborn genetic diseases. Identifiers: MedGen C0950123, MeSH D030342.

Allele frequency attached by ClinVar (database versions not stated): gnomAD 0.00001; gnomAD exomes 0.00001; TOPMed 0.00002; ExAC 0.00003; 1000 Genomes Project 30x 0.00016; 1000 Genomes Project 0.00020.
gnomAD v4.1: 15 of 1,614,000 alleles (0.00093%); highest among the groups gnomAD compares: Admixed American, 0.015%; no homozygotes.

Submissions (2):

Labcorp Genetics (formerly Invitae), Labcorp
Classification: Uncertain significance. Last evaluated: 2021-12-29. Review status: criteria provided, single submitter. Criteria: Invitae Variant Classification Sherloc (09022015). Collection method: clinical testing. Allele origin: germline.
Comment: In summary, the available evidence is currently insufficient to determine the role of this variant in disease. Therefore, it has been classified as a Variant of Uncertain Significance. Algorithms developed to predict the effect of missense changes on protein structure and function are either unavailable or do not agree on the potential impact of this missense change (SIFT: "Deleterious"; PolyPhen-2: "Probably Damaging"; Align-GVGD: "Class C0"). This variant has not been reported in the literature in individuals affected with AIMP2-related conditions. This variant is present in population databases (rs150887968, gnomAD 0.02%). This sequence change replaces arginine, which is basic and polar, with histidine, which is basic and polar, at codon 215 of the AIMP2 protein (p.Arg215His).

Ambry Genetics
Classification: Uncertain significance for Inborn genetic diseases. Last evaluated: 2021-06-15. Review status: criteria provided, single submitter. Criteria: Ambry Variant Classification Scheme 2023. Collection method: clinical testing. Allele origin: germline.